The following is an entry in ClinVar:

NM_000257.4(MYH7):c.3006C>T (p.Ala1002=)

Gene: MYH7 (myosin heavy chain 7; minus strand). Cytogenetic location: 14q11.2.
Variant type: single nucleotide variant.
Coding change: c.3006C>T on transcript NM_000257.4 (MANE Select); coding-DNA position 3006, C replaced by T.
Protein change: p.Ala1002=; no amino-acid change (alanine 1002 retained).
Molecular consequence: synonymous variant.
Genome position (GRCh38, 1-based): chr14:23,423,640, G>A on the plus strand (C>T on the coding strand, the complement: MYH7 is on the minus strand). VCF-style: chr14-23423640-G-A. GRCh37 (hg19) VCF-style: chr14-23892849-G-A.
Other names: c.3006C>T (LRG_384t1).
Identifiers: ClinVar variation 385966 (VCV000385966.5), dbSNP rs1057522386, ClinGen allele CA16606535.

ClinVar aggregate classification (germline): Likely benign. Review status: criteria provided, multiple submitters, no conflicts (2 of 4 stars). 2 submissions from 2 submitters: Likely benign (2). Last evaluated 2020-01-18.

Conditions:
Hypertrophic cardiomyopathy. Also called: HYPERTROPHIC MYOCARDIOPATHY. Identifiers: Orphanet 217569, MedGen C0007194, MeSH D002312, MONDO:0005045, HP:0001639.

Allele frequency attached by ClinVar (database versions not stated): gnomAD exomes below 0.00001.
gnomAD v4.1: 1 of 1,613,998 alleles (0.000062%); highest among the groups gnomAD compares: Non-Finnish European, 0.000085%; no homozygotes.

Submissions (2):

Labcorp Genetics (formerly Invitae), Labcorp
Classification: Likely benign for Hypertrophic cardiomyopathy. Last evaluated: 2020-01-18. Review status: criteria provided, single submitter. Criteria: Invitae Variant Classification Sherloc (09022015). Collection method: clinical testing. Allele origin: germline.

GeneDx
Classification: Likely benign. Last evaluated: 2016-05-24. Review status: criteria provided, single submitter. Criteria: GeneDx Variant Classification (06012015). Collection method: clinical testing. Allele origin: germline. Affected: yes.
Comment: This variant is considered likely benign or benign based on one or more of the following criteria: it is a conservative change, it occurs at a poorly conserved position in the protein, it is predicted to be benign by multiple in silico algorithms, and/or has population frequency not consistent with disease.